The following is an entry in ClinVar:

NM_213607.3(DNAAF19):c.359dup (p.Tyr120Ter)

Gene: DNAAF19 (dynein axonemal assembly factor 19; plus strand). Cytogenetic location: 17q21.31.
Variant type: Duplication.
Coding change: c.359dup on transcript NM_213607.3 (MANE Select); coding-DNA position 359, one base duplicated (A; older notation c.359dupA).
Protein change: p.Tyr120Ter; replaces tyrosine 120 with a stop codon.
Molecular consequence: nonsense. On other transcripts: 3 prime UTR variant (3).
Genome position (GRCh38, 1-based): chr17:44,902,447, A duplicated. VCF-style (leftmost placement, unchanged base first): chr17-44902446-T-TA. GRCh37 (hg19) VCF-style: chr17-42979814-T-TA.
Other names: c.359dup, p.Tyr120Ter (NM_001258395.2, NM_001258396.2); c.*109dup (NM_001258397.3); c.*48dup (NM_001258398.3, NM_001258399.2); short protein forms Y120*.
Identifiers: ClinVar variation 2725381 (VCV002725381.2), dbSNP rs2508900227, ClinGen allele CA2697560055.

ClinVar aggregate classification (germline): Pathogenic (1 of 4 stars; one submission).

Conditions:
Primary ciliary dyskinesia. Also called: Ciliary dyskinesia. Identifiers: Orphanet 244, MedGen C0008780, MONDO:0016575, HP:0012265.

Submission:

Labcorp Genetics (formerly Invitae), Labcorp
Classification: Pathogenic for Primary ciliary dyskinesia. Last evaluated: 2023-08-14. Review status: criteria provided, single submitter. Criteria: Invitae Variant Classification Sherloc (09022015). Collection method: clinical testing. Allele origin: germline.
Comment: This sequence change creates a premature translational stop signal (p.Tyr120*) in the CCDC103 gene. While this is not anticipated to result in nonsense mediated decay, it is expected to disrupt the last 123 amino acid(s) of the CCDC103 protein. This variant is not present in population databases (gnomAD no frequency). This variant has not been reported in the literature in individuals affected with CCDC103-related conditions. This variant disrupts a region of the CCDC103 protein in which other variant(s) (p.Ser190Argfs*19) have been determined to be pathogenic (Invitae). This suggests that this is a clinically significant region of the protein, and that variants that disrupt it are likely to be disease-causing. For these reasons, this variant has been classified as Pathogenic.